The following is an entry in ClinVar:

NM_004870.4(MPDU1):c.685G>A (p.Ala229Thr)

Gene: MPDU1 (mannose-P-dolichol utilization defect 1; plus strand). Cytogenetic location: 17p13.1.
Variant type: single nucleotide variant.
Coding change: c.685G>A on transcript NM_004870.4 (MANE Select); coding-DNA position 685, G replaced by A.
Protein change: p.Ala229Thr; replaces alanine 229 with threonine.
Molecular consequence: missense variant. On other transcripts: 3 prime UTR variant (1), non-coding transcript variant (1).
Genome position (GRCh38, 1-based): chr17:7,587,492, G>A. VCF-style: chr17-7587492-G-A. GRCh37 (hg19) VCF-style: chr17-7490810-G-A.
Other names: c.*48G>A (NM_001330073.1); short protein forms A229T.
Identifiers: ClinVar variation 95181 (VCV000095181.19), dbSNP rs10852891, ClinGen allele CA148290.
Genomic context (GRCh38, chr17:7,587,492, plus strand): 5'-GGAGATCCCCTGATGGCTGGGACCTTTGTGGTCTCCTCTCTCTGCAACGGCCTCATCGCC[G>A]CCCAGCTGCTCTTCTACTGGAATGCAAAGCCTCCCCACAAGCAGAAAAAGGCGCAGTAGA-3'
Protein context (NP_004861.2, residues 219-239): VSSLCNGLIA[Ala229Thr]QLLFYWNAKP

ClinVar aggregate classification (germline): Benign. Review status: criteria provided, multiple submitters, no conflicts (2 of 4 stars). 7 submissions from 7 submitters: Benign (7). Last evaluated 2026-02-02.

Conditions:
MPDU1-congenital disorder of glycosylation. Also called: CONGENITAL DISORDER OF GLYCOSYLATION, TYPE If; CDG If; MPDU1-CDG. Identifiers: Orphanet 79323, MedGen C1836669, MONDO:0012211, OMIM 609180.

Allele frequency attached by ClinVar (database versions not stated): TOPMed 0.16652; 1000 Genomes Project 0.15615; 1000 Genomes Project 30x 0.15662; gnomAD 0.14975; ESP Exome Variant Server 0.17046.

Submissions (7):

Labcorp Genetics (formerly Invitae), Labcorp
Classification: Benign for MPDU1-congenital disorder of glycosylation. Last evaluated: 2026-02-02. Review status: criteria provided, single submitter. Criteria: Invitae Variant Classification Sherloc (09022015). Collection method: clinical testing. Allele origin: germline.

Illumina Laboratory Services, Illumina
Classification: Benign for MPDU1-congenital disorder of glycosylation. Last evaluated: 2018-01-12. Review status: criteria provided, single submitter. Criteria: ICSL Variant Classification Criteria 13 December 2019. Collection method: clinical testing. Allele origin: germline.
Comment: This variant was observed in the ICSL laboratory as part of a predisposition screen in an ostensibly healthy population. It had not been previously curated by ICSL or reported in the Human Gene Mutation Database (HGMD: prior to June 1st, 2018), and was therefore a candidate for classification through an automated scoring system. Utilizing variant allele frequency, disease prevalence and penetrance estimates, and inheritance mode, an automated score was calculated to assess if this variant is too frequent to cause the disease. Based on the score and internal cut-off values, a variant classified as benign is not then subjected to further curation. The score for this variant resulted in a classification of benign for this disease.

Mayo Clinic Laboratories, Mayo Clinic
Classification: Benign. Last evaluated: 2017-11-20. Review status: criteria provided, single submitter. Criteria: ACMG Guidelines, 2015. Collection method: clinical testing. Allele origin: germline. Observed: 18 variant alleles.

GeneDx
Classification: Benign. Last evaluated: 2015-12-02. Review status: criteria provided, single submitter. Criteria: GeneDx Variant Classification (06012015). Collection method: clinical testing. Allele origin: germline. Affected: yes.
Comment: This variant is considered likely benign or benign based on one or more of the following criteria: it is a conservative change, it occurs at a poorly conserved position in the protein, it is predicted to be benign by multiple in silico algorithms, and/or has population frequency not consistent with disease.

Eurofins Ntd Llc (ga)
Classification: Benign. Last evaluated: 2012-07-26. Review status: criteria provided, single submitter. Criteria: EGL Classification Definitions 2015. Collection method: clinical testing. Allele origin: germline. Observed: 6 variant alleles, 6 heterozygotes.

Breakthrough Genomics
Classification: Benign. Review status: criteria provided, single submitter. Criteria: ACMG Guidelines, 2015. Collection method: not provided. Allele origin: germline. Inheritance: Autosomal recessive inheritance. Affected: yes.

PreventionGenetics, part of Exact Sciences
Classification: Benign. Review status: criteria provided, single submitter. Criteria: ACMG Guidelines, 2015. Collection method: clinical testing. Allele origin: germline.